The following is an entry in ClinVar:

NM_001130987.2(DYSF):c.1120del (p.Cys374fs)

Gene: DYSF (dysferlin; plus strand). Cytogenetic location: 2p13.2.
Variant type: Deletion.
Coding change: c.1120del on transcript NM_001130987.2 (MANE Select); coding-DNA position 1120, one base deleted (T; older notation c.1120delT).
Protein change: p.Cys374fs; shifts the reading frame from cysteine 374.
Molecular consequence: frameshift variant.
Genome position (GRCh38, 1-based): chr2:71,520,875, T deleted; the last of 3 consecutive T bases (chr2:71,520,873-71,520,875); deleting any one gives the same sequence. VCF-style (leftmost placement, unchanged base first): chr2-71520872-CT-C. GRCh37 (hg19) VCF-style: chr2-71748002-CT-C.
Other names: c.1027del, p.Cys343fs (NM_001130455.2, NM_001130983.2, NM_001130984.2 and 1 more transcripts); c.1024del, p.Cys342fs (NM_001130976.2, NM_001130977.2, NM_001130978.2 and 1 more transcripts); c.1117del, p.Cys373fs (NM_001130979.2, NM_001130980.2, NM_001130981.2); c.1120del, p.Cys374fs (NM_001130982.2, NM_001130985.2); c.1024delT (NM_003494.4); short protein forms C342fs, C343fs, C373fs, C374fs.
Identifiers: ClinVar variation 3896851 (VCV003896851.1).

ClinVar aggregate classification (germline): Likely pathogenic (1 of 4 stars; one submission).

Conditions:
Autosomal recessive limb-girdle muscular dystrophy type 2B (LGMDR2). Also called: MUSCULAR DYSTROPHY, LIMB-GIRDLE, AUTOSOMAL RECESSIVE 2; MUSCULAR DYSTROPHY, LIMB-GIRDLE, TYPE 3; Limb-girdle muscular dystrophy, type 2B; Limb-Girdle Muscular Dystrophy Type 2B (LGMD2B). Identifiers: Orphanet 268, MedGen C1850889, MONDO:0009676, OMIM 253601.

Submission:

Kariminejad - Najmabadi Pathology & Genetics Center
Classification: Likely pathogenic for Autosomal recessive limb-girdle muscular dystrophy type 2B. Last evaluated: 2022-02-17. Review status: criteria provided, single submitter. Criteria: ACMG Guidelines, 2015. Collection method: clinical testing. Allele origin: germline. Inheritance: Autosomal recessive inheritance. Affected: yes. Observed: 2 variant alleles.
Comment: PVS1,PM2